The following is an entry in ClinVar:

ClinVar aggregate classification (germline): Conflicting classifications of pathogenicity. Review status: criteria provided, conflicting classifications (1 of 4 stars). 2 submissions from 2 submitters: Uncertain significance (1); Likely benign (1). Last evaluated 2024-11-25.

Allele frequency attached by ClinVar (database versions not stated): TOPMed 0.00001.
gnomAD v4.1: 23 of 1,612,902 alleles (0.0014%); highest among the groups gnomAD compares: East Asian, 0.0045%; no homozygotes.

Submissions (2):

Blueprint Genetics
Classification: Likely benign. Last evaluated: 2024-11-25. Review status: criteria provided, single submitter. Criteria: ACMG Guidelines, 2015. Collection method: clinical testing. Allele origin: germline.

Labcorp Genetics (formerly Invitae), Labcorp
Classification: Uncertain significance. Last evaluated: 2023-10-03. Review status: criteria provided, single submitter. Criteria: Invitae Variant Classification Sherloc (09022015). Collection method: clinical testing. Allele origin: germline.
Comment: This sequence change replaces arginine, which is basic and polar, with cysteine, which is neutral and slightly polar, at codon 73 of the CFAP410 protein (p.Arg73Cys). This variant is present in population databases (rs377552361, gnomAD 0.005%). This variant has not been reported in the literature in individuals affected with CFAP410-related conditions. ClinVar contains an entry for this variant (Variation ID: 1016881). Advanced modeling of protein sequence and biophysical properties (such as structural, functional, and spatial information, amino acid conservation, physicochemical variation, residue mobility, and thermodynamic stability) performed at Invitae indicates that this missense variant is not expected to disrupt CFAP410 protein function. This variant disrupts the p.Arg73 amino acid residue in CFAP410. Other variant(s) that disrupt this residue have been determined to be pathogenic (PMID: 26167768, 27596865). This suggests that this residue is clinically significant, and that variants that disrupt this residue are likely to be disease-causing. In summary, the available evidence is currently insufficient to determine the role of this variant in disease. Therefore, it has been classified as a Variant of Uncertain Significance.

Literature cited by the submitters: PubMed 26167768 (cited by Labcorp Genetics (formerly Invitae), Labcorp); PubMed 27596865 (cited by Labcorp Genetics (formerly Invitae), Labcorp).

NM_004928.3(CFAP410):c.217C>T (p.Arg73Cys)

Gene: CFAP410 (cilia and flagella associated protein 410; minus strand). Cytogenetic location: 21q22.3.
Variant type: single nucleotide variant.
Coding change: c.217C>T on transcript NM_004928.3 (MANE Select); coding-DNA position 217, C replaced by T.
Protein change: p.Arg73Cys; replaces arginine 73 with cysteine.
Molecular consequence: missense variant.
Genome position (GRCh38, 1-based): chr21:44,333,189, G>A on the plus strand (C>T on the coding strand, the complement: CFAP410 is on the minus strand). VCF-style: chr21-44333189-G-A. GRCh37 (hg19) VCF-style: chr21-45753072-G-A.
Other names: c.217C>T, p.Arg73Cys (NM_001271440.2, NM_001271441.2); c.94C>T, p.Arg32Cys (NM_001271442.1); short protein forms R32C, R73C.
Identifiers: ClinVar variation 1016881 (VCV001016881.5), dbSNP rs377552361, ClinGen allele CA10053760.